The following is an entry in ClinVar:

NM_014112.5(TRPS1):c.2924A>T (p.Gln975Leu)

Gene: TRPS1 (transcriptional repressor GATA binding 1; minus strand). Cytogenetic location: 8q23.3.
Variant type: single nucleotide variant.
Coding change: c.2924A>T on transcript NM_014112.5 (MANE Select); coding-DNA position 2924, A replaced by T.
Protein change: p.Gln975Leu; replaces glutamine 975 with leucine.
Molecular consequence: missense variant.
Genome position (GRCh38, 1-based): chr8:115,414,984, T>A on the plus strand (A>T on the coding strand, the complement: TRPS1 is on the minus strand). VCF-style: chr8-115414984-T-A. GRCh37 (hg19) VCF-style: chr8-116427212-T-A.
Other names: c.2897A>T, p.Gln966Leu (NM_001282902.3); c.2903A>T, p.Gln968Leu (NM_001282903.3); c.2885A>T, p.Gln962Leu (NM_001330599.2); short protein forms Q962L, Q966L, Q968L, Q975L.
Identifiers: ClinVar variation 3755351 (VCV003755351.2).
Genomic context (GRCh38, chr8:115,414,984, plus strand): 5'-CTCTCTAACGGGCTTCCATTGACTTGCTCCTCATTGCTGCCCCTCTGCTGTTTGTTGAGC[T>A]GCTCAGCCTGAAGTGCCTCTGGGTTAAGGCGCTTTCTTGTTCTCCTCCTAATAATCTGCT-3'
Protein context (NP_054831.2, residues 965-985): RLNPEALQAE[Gln975Leu]LNKQQRGSNE

ClinVar aggregate classification (germline): Uncertain significance (1 of 4 stars; one submission).

Conditions:
Trichorhinophalangeal dysplasia type I (TRPS1). Also called: TRICHORHINOPHALANGEAL SYNDROME, TYPE I; TRPS I. Identifiers: Orphanet 77258, MedGen C0432233, MONDO:0008596, OMIM 190350.
Trichorhinophalangeal syndrome, type III (TRPS3). Also called: SUGIO-KAJII SYNDROME. Identifiers: Orphanet 77258, MedGen C1860823, OMIM 190351, MONDO:0008597.

Submission:

Labcorp Genetics (formerly Invitae), Labcorp
Classification: Uncertain significance for Trichorhinophalangeal syndrome, type III; Trichorhinophalangeal dysplasia type I. Last evaluated: 2024-03-16. Review status: criteria provided, single submitter. Criteria: Invitae Variant Classification Sherloc (09022015). Collection method: clinical testing. Allele origin: germline.
Comment: This sequence change replaces glutamine, which is neutral and polar, with leucine, which is neutral and non-polar, at codon 975 of the TRPS1 protein (p.Gln975Leu). This variant is not present in population databases (gnomAD no frequency). This variant has not been reported in the literature in individuals affected with TRPS1-related conditions. Advanced modeling of protein sequence and biophysical properties (such as structural, functional, and spatial information, amino acid conservation, physicochemical variation, residue mobility, and thermodynamic stability) performed at Invitae indicates that this missense variant is not expected to disrupt TRPS1 protein function with a negative predictive value of 80%. In summary, the available evidence is currently insufficient to determine the role of this variant in disease. Therefore, it has been classified as a Variant of Uncertain Significance.